The following is an entry in ClinVar:

ClinVar aggregate classification (germline): Uncertain significance. Review status: criteria provided, multiple submitters, no conflicts (2 of 4 stars). 2 submissions from 2 submitters: Uncertain significance (2). Last evaluated 2025-12-26.

Conditions:
Hereditary hemorrhagic telangiectasia (HHT). Also called: Osler hemorrhagic telangiectasia syndrome; ORW DISEASE; Osler Weber Rendu syndrome; OSLER-RENDU-WEBER DISEASE. Identifiers: Orphanet 774, MedGen C0039445, MONDO:0019180. Disease mechanism: loss of function.
Cardiovascular phenotype. Identifiers: MedGen CN230736.

Allele frequency attached by ClinVar (database versions not stated): ExAC 0.00002; gnomAD exomes 0.00001.
gnomAD v4.1: 12 of 1,613,812 alleles (0.00074%); highest among the groups gnomAD compares: Non-Finnish European, 0.001%; no homozygotes.

Submissions (2):

Ambry Genetics
Classification: Uncertain significance for Cardiovascular phenotype. Last evaluated: 2025-12-26. Review status: criteria provided, single submitter. Criteria: Ambry Variant Classification Scheme 2023. Collection method: clinical testing. Allele origin: germline.
Comment: The p.K280R variant (also known as c.839A>G), located in coding exon 7 of the ENG gene, results from an A to G substitution at nucleotide position 839. The lysine at codon 280 is replaced by arginine, an amino acid with highly similar properties. This amino acid position is conserved. In addition, this alteration is predicted to be tolerated by in silico analysis. Based on the available evidence, the clinical significance of this variant remains unclear.

Labcorp Genetics (formerly Invitae), Labcorp
Classification: Uncertain significance for Hereditary hemorrhagic telangiectasia. Last evaluated: 2018-05-05. Review status: criteria provided, single submitter. Criteria: Invitae Variant Classification Sherloc (09022015). Collection method: clinical testing. Allele origin: germline.
Comment: In summary, the available evidence is currently insufficient to determine the role of this variant in disease. Therefore, it has been classified as a Variant of Uncertain Significance. Algorithms developed to predict the effect of sequence changes on RNA splicing suggest that this variant may create or strengthen a splice site, but this prediction has not been confirmed by published transcriptional studies. Algorithms developed to predict the effect of missense changes on protein structure and function do not agree on the potential impact of this missense change (SIFT: "Tolerated"; PolyPhen-2: "Probably Damaging"; Align-GVGD: "Class C0"). This variant has not been reported in the literature in individuals with ENG-related disease. This variant is present in population databases (rs774709924, ExAC 0.003%). This sequence change replaces lysine with arginine at codon 280 of the ENG protein (p.Lys280Arg). The lysine residue is moderately conserved and there is a small physicochemical difference between lysine and arginine.

NM_001114753.3(ENG):c.839A>G (p.Lys280Arg)

Gene: ENG (endoglin; minus strand). Cytogenetic location: 9q34.11.
Variant type: single nucleotide variant.
Coding change: c.839A>G on transcript NM_001114753.3 (MANE Select); coding-DNA position 839, A replaced by G.
Protein change: p.Lys280Arg; replaces lysine 280 with arginine.
Molecular consequence: missense variant.
Genome position (GRCh38, 1-based): chr9:127,824,952, T>C on the plus strand (A>G on the coding strand, the complement: ENG is on the minus strand). VCF-style: chr9-127824952-T-C. GRCh37 (hg19) VCF-style: chr9-130587231-T-C.
Other names: c.839A>G, p.Lys280Arg (NM_000118.4, NM_001406715.1); c.293A>G, p.Lys98Arg (NM_001278138.2); c.839A>G (NM_001114753.1); short protein forms K280R, K98R.
Identifiers: ClinVar variation 574807 (VCV000574807.11), dbSNP rs774709924, ClinGen allele CA5252953.